The following is an entry in ClinVar:

ClinVar aggregate classification (germline): Uncertain significance (1 of 4 stars; one submission).

Conditions:
Epidermolysis bullosa simplex 5C, with pyloric atresia (EBS5C). Also called: PLEC-Related Epidermolysis Bullosa with Pyloric Atresia; Epidermolysis bullosa simplex with pyloric atresia; PLEC1-Related Epidermolysis Bullosa with Pyloric Atresia. Identifiers: Orphanet 158684, MedGen C2677349, MONDO:0012807, OMIM 612138.
Epidermolysis bullosa simplex 5B, with muscular dystrophy (EBS5B). Also called: Epidermolysis bullosa simplex with muscular dystrophy; EPIDERMOLYSIS BULLOSA SIMPLEX AND LIMB-GIRDLE MUSCULAR DYSTROPHY. Identifiers: Orphanet 257, MedGen C2931072, MONDO:0009181, OMIM 226670.
Epidermolysis bullosa simplex, Ogna type (EBS5A). Also called: Pidermolysis bullosa simplex 5A, Ogna type; EPIDERMOLYSIS BULLOSA SIMPLEX 5A, OGNA TYPE. Identifiers: Orphanet 79401, MedGen C0432317, MONDO:0007555, OMIM 131950.
Autosomal recessive limb-girdle muscular dystrophy type 2Q (LGMDR17). Also called: MUSCULAR DYSTROPHY, LIMB-GIRDLE, AUTOSOMAL RECESSIVE 17. Identifiers: Orphanet 254361, MedGen C3150989, MONDO:0013390, OMIM 613723.
Epidermolysis bullosa simplex with nail dystrophy (EBS5D). Identifiers: MedGen C4225309, MONDO:0014661, OMIM 616487.

Allele frequency attached by ClinVar (database versions not stated): gnomAD exomes 0.00003; TOPMed 0.00003; ExAC 0.00004; 1000 Genomes Project 30x 0.00016; 1000 Genomes Project 0.00020.
gnomAD v4.1: 86 of 1,613,204 alleles (0.0053%); highest among the groups gnomAD compares: East Asian, 0.1%; 1 homozygote.

Submission:

Labcorp Genetics (formerly Invitae), Labcorp
Classification: Uncertain significance for Autosomal recessive limb-girdle muscular dystrophy type 2Q; Epidermolysis bullosa simplex, Ogna type; Epidermolysis bullosa simplex with nail dystrophy; Epidermolysis bullosa simplex 5C, with pyloric atresia; Epidermolysis bullosa simplex 5B, with muscular dystrophy. Last evaluated: 2026-01-21. Review status: criteria provided, single submitter. Criteria: Invitae Variant Classification Sherloc (09022015). Collection method: clinical testing. Allele origin: germline.
Comment: This sequence change replaces arginine, which is basic and polar, with histidine, which is basic and polar, at codon 3490 of the PLEC protein (p.Arg3490His). This variant is present in population databases (rs201698549, gnomAD 0.02%). This variant has not been reported in the literature in individuals affected with PLEC-related conditions. ClinVar contains an entry for this variant (Variation ID: 955840). Invitae Evidence Modeling of protein sequence and biophysical properties (such as structural, functional, and spatial information, amino acid conservation, physicochemical variation, residue mobility, and thermodynamic stability) indicates that this missense variant is not expected to disrupt PLEC protein function with a negative predictive value of 80%. In summary, the available evidence is currently insufficient to determine the role of this variant in disease. Therefore, it has been classified as a Variant of Uncertain Significance.

NM_201384.3(PLEC):c.10388G>A (p.Arg3463His)

Gene: PLEC (plectin; minus strand). Cytogenetic location: 8q24.3.
Variant type: single nucleotide variant.
Coding change: c.10388G>A on transcript NM_201384.3 (MANE Select); coding-DNA position 10388, G replaced by A.
Protein change: p.Arg3463His; replaces arginine 3463 with histidine.
Molecular consequence: missense variant.
Genome position (GRCh38, 1-based): chr8:143,919,433, C>T on the plus strand (G>A on the coding strand, the complement: PLEC is on the minus strand). VCF-style: chr8-143919433-C-T. GRCh37 (hg19) VCF-style: chr8-144993601-C-T.
Other names: c.10469G>A, p.Arg3490His (NM_000445.5); c.10346G>A, p.Arg3449His (NM_201378.4); c.10322G>A, p.Arg3441His (NM_201379.3); c.10799G>A, p.Arg3600His (NM_201380.4); c.10292G>A, p.Arg3431His (NM_201381.3); c.10388G>A, p.Arg3463His (NM_201382.4); c.10400G>A, p.Arg3467His (NM_201383.3); short protein forms R3463H, R3467H, R3449H, R3600H, R3431H, R3441H, R3490H.
Identifiers: ClinVar variation 955840 (VCV000955840.10), dbSNP rs201698549, ClinGen allele CA4924667.
Genomic context (GRCh38, chr8:143,919,433, plus strand): 5'-ACGCGGTGGCTGTGCACGGGGTCGATGATGCCGCCCGTGGCGATCTGGGCCTCCAGCAGG[C>T]GGATGCCGTGCTGCCGGAGAACCAGGCCCTTCTGCATGGCCTGGAAGAGGGAGATGGTGC-3'
Protein context (NP_958786.1, residues 3453-3473): KGLVLRQHGI[Arg3463His]LLEAQIATGG